The following is an entry in ClinVar:

ClinVar aggregate classification (germline): Pathogenic (1 of 4 stars; one submission).

Conditions:
Loeys-Dietz syndrome 4 (LDS4). Also called: TGFB2-Related Loeys-Dietz Syndrome; ANEURYSM, AORTIC AND CEREBRAL, WITH ARTERIAL TORTUOSITY AND SKELETAL MANIFESTATIONS. Identifiers: MedGen C3553762, MONDO:0013897, OMIM 614816.

Submission:

Laboratory of Medical Genetics, National & Kapodistrian University of Athens
Classification: Pathogenic for Loeys-Dietz syndrome 4. Last evaluated: 2021-10-01. Review status: criteria provided, single submitter. Criteria: ACMG Guidelines, 2015. Collection method: clinical testing. Allele origin: unknown. Affected: yes.
Comment: PVS1, PM1, PM2

Literature cited by the submitters: PubMed 34008892.

NM_003238.6(TGFB2):c.912_930del (p.Asp305fs)

Gene: TGFB2 (transforming growth factor beta 2; plus strand). Cytogenetic location: 1q41.
Variant type: Deletion.
Coding change: c.912_930del on transcript NM_003238.6 (MANE Select); coding-DNA positions 912 to 930, 19 bases deleted (GGATGCGGCCTATTGCTTT).
Protein change: p.Asp305fs; shifts the reading frame from aspartic acid 305.
Molecular consequence: frameshift variant. On other transcripts: non-coding transcript variant (2).
Genome position (GRCh38, 1-based): chr1:218,436,127-218,436,145, GGATGCGGCCTATTGCTTT deleted; deleting any 19 consecutive bases within chr1:218,436,121-218,436,145 gives the same sequence; the c. name uses the placement nearest the transcript's 3' end. VCF-style (leftmost placement, unchanged base first): chr1-218436120-GTGCTTTGGATGCGGCCTAT-G. GRCh37 (hg19) VCF-style: chr1-218609462-GTGCTTTGGATGCGGCCTAT-G.
Other names: c.996_1014del, p.Asp333fs (NM_001135599.4); short protein forms D305fs, D333fs.
Identifiers: ClinVar variation 1299635 (VCV001299635.1), dbSNP rs2102628675, ClinGen allele CA2499214542.